The following is an entry in ClinVar:

NM_006415.4(SPTLC1):c.890T>G (p.Ile297Ser)

Gene: SPTLC1 (serine palmitoyltransferase long chain base subunit 1; minus strand). Cytogenetic location: 9q22.31.
Variant type: single nucleotide variant.
Coding change: c.890T>G on transcript NM_006415.4 (MANE Select); coding-DNA position 890, T replaced by G.
Protein change: p.Ile297Ser; replaces isoleucine 297 with serine.
Molecular consequence: missense variant.
Genome position (GRCh38, 1-based): chr9:92,047,707, A>C on the plus strand (T>G on the coding strand, the complement: SPTLC1 is on the minus strand). VCF-style: chr9-92047707-A-C. GRCh37 (hg19) VCF-style: chr9-94809989-A-C.
Other names: c.890T>G, p.Ile297Ser (NM_001281303.2); c.524T>G, p.Ile175Ser (NM_001368272.1); c.425T>G, p.Ile142Ser (NM_001368273.1); short protein forms I175S, I142S, I297S.
Identifiers: ClinVar variation 3671817 (VCV003671817.2).

ClinVar aggregate classification (germline): Uncertain significance (1 of 4 stars; one submission).

Conditions:
Hereditary sensory and autonomic neuropathy type 1 (HSAN1). Also called: HSAN 1; HSN Type I; Hereditary Sensory Neuropathy Type I. Identifiers: Orphanet 36386, MedGen C0020071, MONDO:0018213.

Submission:

Labcorp Genetics (formerly Invitae), Labcorp
Classification: Uncertain significance for Hereditary sensory and autonomic neuropathy type 1. Last evaluated: 2024-01-31. Review status: criteria provided, single submitter. Criteria: Invitae Variant Classification Sherloc (09022015). Collection method: clinical testing. Allele origin: germline.
Comment: This sequence change replaces isoleucine, which is neutral and non-polar, with serine, which is neutral and polar, at codon 297 of the SPTLC1 protein (p.Ile297Ser). This variant is not present in population databases (gnomAD no frequency). This variant has not been reported in the literature in individuals affected with SPTLC1-related conditions. An algorithm developed to predict the effect of missense changes on protein structure and function (PolyPhen-2) suggests that this variant is likely to be tolerated. In summary, the available evidence is currently insufficient to determine the role of this variant in disease. Therefore, it has been classified as a Variant of Uncertain Significance.